The following is an entry in ClinVar:

NM_000214.3(JAG1):c.1963T>C (p.Cys655Arg)

Gene: JAG1 (jagged canonical Notch ligand 1; minus strand). Cytogenetic location: 20p12.2.
Variant type: single nucleotide variant.
Coding change: c.1963T>C on transcript NM_000214.3 (MANE Select); coding-DNA position 1963, T replaced by C.
Protein change: p.Cys655Arg; replaces cysteine 655 with arginine.
Molecular consequence: missense variant.
Genome position (GRCh38, 1-based): chr20:10,646,007, A>G on the plus strand (T>C on the coding strand, the complement: JAG1 is on the minus strand). VCF-style: chr20-10646007-A-G. GRCh37 (hg19) VCF-style: chr20-10626655-A-G.
Other names: short protein forms C655R.
Identifiers: ClinVar variation 2699325 (VCV002699325.3), dbSNP rs2514514439, ClinGen allele CA408235729.

ClinVar aggregate classification (germline): Uncertain significance (1 of 4 stars; one submission).

Conditions:
Alagille syndrome due to a JAG1 point mutation. Also called: Alagille Syndrome 1; JAG1-Related Alagille Syndrome; HEPATIC DUCTULAR HYPOPLASIA, SYNDROMATIC. Identifiers: Orphanet 261619, Orphanet 52, MedGen C1956125, MONDO:0016862, OMIM 118450.

Submission:

Labcorp Genetics (formerly Invitae), Labcorp
Classification: Uncertain significance for Alagille syndrome due to a JAG1 point mutation. Last evaluated: 2024-01-04. Review status: criteria provided, single submitter. Criteria: Invitae Variant Classification Sherloc (09022015). Collection method: clinical testing. Allele origin: germline.
Comment: This sequence change replaces cysteine, which is neutral and slightly polar, with arginine, which is basic and polar, at codon 655 of the JAG1 protein (p.Cys655Arg). This variant is not present in population databases (gnomAD no frequency). This variant has not been reported in the literature in individuals affected with JAG1-related conditions. Advanced modeling of protein sequence and biophysical properties (such as structural, functional, and spatial information, amino acid conservation, physicochemical variation, residue mobility, and thermodynamic stability) performed at Invitae indicates that this missense variant is expected to disrupt JAG1 protein function with a positive predictive value of 95%. In summary, the available evidence is currently insufficient to determine the role of this variant in disease. Therefore, it has been classified as a Variant of Uncertain Significance.